The following is an entry in ClinVar:

ClinVar aggregate classification (germline): Uncertain significance (1 of 4 stars; one submission).

Submission:

CeGaT Center for Human Genetics Tuebingen
Classification: Uncertain significance. Last evaluated: 2022-09-01. Review status: criteria provided, single submitter. Criteria: CeGaT Center For Human Genetics Tuebingen Variant Classification Criteria Version 2. Collection method: clinical testing. Allele origin: germline. Affected: yes. Observed: 1 variant allele.
Comment: VIM: PM2, PP3

NM_003380.5(VIM):c.1219G>A (p.Glu407Lys)

Gene: VIM (vimentin; plus strand). Cytogenetic location: 10p13.
Variant type: single nucleotide variant.
Coding change: c.1219G>A on transcript NM_003380.5 (MANE Select); coding-DNA position 1219, G replaced by A.
Protein change: p.Glu407Lys; replaces glutamic acid 407 with lysine.
Molecular consequence: missense variant.
Genome position (GRCh38, 1-based): chr10:17,235,379, G>A. VCF-style: chr10-17235379-G-A. GRCh37 (hg19) VCF-style: chr10-17277378-G-A.
Other names: short protein forms E407K.
Identifiers: ClinVar variation 2640332 (VCV002640332.24), dbSNP rs2493192991, ClinGen allele CA376181326.
Genomic context (GRCh38, chr10:17,235,379, plus strand): 5'-CTCAATGTTAAGATGGCCCTTGACATTGAGATTGCCACCTACAGGAAGCTGCTGGAAGGC[G>A]AGGAGAGCAGGTAGGGAACTCAGACTTGGATGCGTGAACTAATGGTGACCATTTGTTAGG-3'
Protein context (NP_003371.2, residues 397-417): IATYRKLLEG[Glu407Lys]ESRISLPLPN